The following is an entry in ClinVar:

NM_002203.4(ITGA2):c.2430-5A>C

Gene: ITGA2 (integrin subunit alpha 2; plus strand). Cytogenetic location: 5q11.2.
Variant type: single nucleotide variant.
Coding change: c.2430-5A>C on transcript NM_002203.4 (MANE Select); 5 bases into the intron before coding-DNA position 2430, A replaced by C.
Molecular consequence: intron variant.
Genome position (GRCh38, 1-based): chr5:53,073,113, A>C. VCF-style: chr5-53073113-A-C. GRCh37 (hg19) VCF-style: chr5-52368943-A-C.
Identifiers: ClinVar variation 4982749 (VCV004982749.1).

ClinVar aggregate classification (germline): Likely benign (1 of 4 stars; one submission).

Conditions:
ITGA2-related disorder. Also called: ITGA2-related condition.

Submission:

PreventionGenetics, part of Exact Sciences
Classification: Likely benign for ITGA2-related condition. Last evaluated: 2024-10-17. Review status: criteria provided, single submitter. Criteria: ACMG Guidelines, 2015. Collection method: clinical testing. Allele origin: germline.
Comment: This variant is classified as likely benign based on ACMG/AMP sequence variant interpretation guidelines (Richards et al. 2015 PMID: 25741868, with internal and published modifications).